The following is an entry in ClinVar:

NM_006531.5(IFT88):c.1057_1060del (p.Thr352_Asn353insTer)

Gene: IFT88 (intraflagellar transport 88; plus strand). Cytogenetic location: 13q12.11.
Variant type: Deletion.
Coding change: c.1057_1060del on transcript NM_006531.5 (MANE Select); coding-DNA positions 1057 to 1060, 4 bases deleted (AACT; older notation c.1057_1060delAACT).
Protein change: p.Thr352_Asn353insTer.
Molecular consequence: nonsense. On other transcripts: non-coding transcript variant (5).
Genome position (GRCh38, 1-based): chr13:20,605,050-20,605,053, AACT deleted; deleting any 4 consecutive bases within chr13:20,605,047-20,605,053 gives the same sequence; the c. name uses the placement nearest the transcript's 3' end. VCF-style (leftmost placement, unchanged base first): chr13-20605046-TACTA-T. GRCh37 (hg19) VCF-style: chr13-21179185-TACTA-T.
Other names: c.1000_1003del, p.Thr333_Asn334insTer (NM_001318491.2, NM_001353573.2, NM_001353575.2); c.1084_1087del, p.Thr361_Asn362insTer (NM_001318493.2, NM_001353565.2, NM_001353566.2 and 2 more transcripts); c.1057_1060del, p.Thr352_Asn353insTer (NM_001353568.2, NM_001353572.2); c.982_985del, p.Thr327_Asn328insTer (NM_001353569.2, NM_001353570.2, NM_001353576.2 and 1 more transcripts); c.955_958del, p.Thr318_Asn319insTer (NM_001353571.2, NM_001353578.2); c.898_901del, p.Thr299_Asn300insTer (NM_001353574.2); c.424_427del, p.Thr141_Asn142insTer (NM_001353579.2).
Identifiers: ClinVar variation 1970331 (VCV001970331.5), dbSNP rs1174456662, ClinGen allele CA608587331.

ClinVar aggregate classification (germline): Uncertain significance (1 of 4 stars; one submission).

Submission:

Labcorp Genetics (formerly Invitae), Labcorp
Classification: Uncertain significance. Last evaluated: 2022-11-01. Review status: criteria provided, single submitter. Criteria: Invitae Variant Classification Sherloc (09022015). Collection method: clinical testing. Allele origin: germline.
Comment: This variant has not been reported in the literature in individuals affected with IFT88-related conditions. This variant is present in population databases (no rsID available, gnomAD 0.007%). This sequence change creates a premature translational stop signal (p.Asn362*) in the IFT88 gene. It is expected to result in an absent or disrupted protein product. However, the current clinical and genetic evidence is not sufficient to establish whether loss-of-function variants in IFT88 cause disease. In summary, the available evidence is currently insufficient to determine the role of this variant in disease. Therefore, it has been classified as a Variant of Uncertain Significance.